The following is an entry in ClinVar:

ClinVar aggregate classification (germline): Likely benign. Review status: criteria provided, multiple submitters, no conflicts (2 of 4 stars). 2 submissions from 2 submitters: Likely benign (2). Last evaluated 2026-04-01.

Conditions:
Inborn genetic diseases. Identifiers: MedGen C0950123, MeSH D030342.

Allele frequency attached by ClinVar (database versions not stated): gnomAD 0.00005; TOPMed 0.00005; ExAC 0.00006; gnomAD exomes 0.00014.
gnomAD v4.1: 205 of 1,613,708 alleles (0.013%); highest among the groups gnomAD compares: Non-Finnish European, 0.017%; no homozygotes.

Submissions (2):

CeGaT Center for Human Genetics Tuebingen
Classification: Likely benign. Last evaluated: 2026-04-01. Review status: criteria provided, single submitter. Criteria: CeGaT Center For Human Genetics Tuebingen Variant Classification Criteria Version 2. Collection method: clinical testing. Allele origin: germline. Affected: yes. Observed: 1 variant allele.
Comment: TRIO: BP4, BS1

Ambry Genetics
Classification: Likely benign for Inborn genetic diseases. Last evaluated: 2023-09-22. Review status: criteria provided, single submitter. Criteria: Ambry Variant Classification Scheme 2023. Collection method: clinical testing. Allele origin: germline.

NM_007118.4(TRIO):c.8778T>A (p.Ser2926Arg)

Gene: TRIO (trio Rho guanine nucleotide exchange factor; plus strand). Cytogenetic location: 5p15.2.
Variant type: single nucleotide variant.
Coding change: c.8778T>A on transcript NM_007118.4 (MANE Select); coding-DNA position 8778, T replaced by A.
Protein change: p.Ser2926Arg; replaces serine 2926 with arginine.
Molecular consequence: missense variant. On other transcripts: non-coding transcript variant (1).
Genome position (GRCh38, 1-based): chr5:14,507,906, T>A. VCF-style: chr5-14507906-T-A. GRCh37 (hg19) VCF-style: chr5-14508015-T-A.
Other names: short protein forms S2926R.
Identifiers: ClinVar variation 3182888 (VCV003182888.3), dbSNP rs777707114, ClinGen allele CA3207984.
Genomic context (GRCh38, chr5:14,507,906, plus strand): 5'-GGTCTGAAAATGACAGTTGTATTCTGATTTCCAGCCTGAGAATATCCTGGTGGATGAGAG[T>A]TTAGCCAAGCCAACCATCAAACTGGCTGACTTTGGAGATGCTGTTCAGCTCAACACGACC-3'
Protein context (NP_009049.2, residues 2916-2936): LKPENILVDE[Ser2926Arg]LAKPTIKLAD